The following is an entry in ClinVar:

NM_007294.4(BRCA1):c.1652_1653insC (p.Gly552fs)

Gene: BRCA1 (BRCA1 DNA repair associated; minus strand). Cytogenetic location: 17q21.31.
Variant type: Insertion.
Coding change: c.1652_1653insC on transcript NM_007294.4 (MANE Select); coding-DNA positions 1652 to 1653, C inserted.
Protein change: p.Gly552fs; shifts the reading frame from glycine 552.
Molecular consequence: frameshift variant. On other transcripts: intron variant (137).
Genome position: GRCh38 VCF-style: chr17-43093878-A-AG. GRCh37 (hg19) VCF-style: chr17-41245895-A-AG.
Other names: c.1649_1650insC, p.Gly551fs (NM_001407610.1, NM_001407611.1, NM_001407612.1 and 22 more transcripts); c.1652_1653insC, p.Gly552fs (NM_001407616.1, NM_001407617.1, NM_001407618.1 and 30 more transcripts); c.1643_1644insC, p.Gly549fs (NM_001407647.1, NM_001407646.1); c.1529_1530insC, p.Gly511fs (NM_001407648.1, NM_001407667.1, NM_001407668.1 and 19 more transcripts); c.1526_1527insC, p.Gly510fs (NM_001407649.1, NM_001407670.1, NM_001407671.1 and 11 more transcripts); c.1574_1575insC, p.Gly526fs (NM_001407653.1, NM_001407654.1, NM_001407655.1 and 4 more transcripts); c.1511_1512insC, p.Gly505fs (NM_001407692.1, NM_001407694.1, NM_001407695.1 and 29 more transcripts); c.1508_1509insC, p.Gly504fs (NM_001407747.1, NM_001407748.1, NM_001407749.1 and 20 more transcripts); and 40 more; short protein forms G505fs, G552fs, G464fs, G504fs, G424fs, G425fs, G440fs, G463fs.
Identifiers: ClinVar variation 548265 (VCV000548265.2), dbSNP rs1555591420, ClinGen allele CA658824517.

ClinVar aggregate classification (germline): Pathogenic (3 of 4 stars; one submission).

Conditions:
Breast-ovarian cancer, familial, susceptibility to, 1 (BROVCA1). Also called: BRCA1 Hereditary Breast and Ovarian Cancer; OVARIAN CANCER, SUSCEPTIBILITY TO. Identifiers: Orphanet 145, MedGen C2676676, MONDO:0011450, OMIM 604370. Disease mechanism: loss of function.

Submission:

Evidence-based Network for the Interpretation of Germline Mutant Alleles (ENIGMA)
Classification: Pathogenic for Breast-ovarian cancer, familial, susceptibility to, 1. Last evaluated: 2017-12-15. Review status: reviewed by expert panel. Criteria: ENIGMA BRCA1/2 Classification Criteria (2017-06-29). Collection method: curation. Allele origin: germline. Study: ENIGMA.
Comment: Variant allele predicted to encode a truncated non-functional protein.